The following is an entry in ClinVar:

ClinVar aggregate classification (germline): Pathogenic (1 of 4 stars; one submission).

Conditions:
Arginine:glycine amidinotransferase deficiency (CCDS3). Also called: Creatine deficiency syndrome due to AGAT deficiency; GATM deficiency; AGAT deficiency; L-Arginine:Glycine Amidinotransferase Deficiency; L-Arginine:Glycine Amidinotransferase (AGAT) Deficiency; Cerebral creatine deficiency syndrome 3. Identifiers: Orphanet 35704, MedGen C2675179, MONDO:0012996, OMIM 612718.

gnomAD v4.1: 4 of 1,614,044 alleles (0.00025%); highest among the groups gnomAD compares: Non-Finnish European, 0.00025%; no homozygotes.

Submission:

Labcorp Genetics (formerly Invitae), Labcorp
Classification: Pathogenic for Arginine:glycine amidinotransferase deficiency. Last evaluated: 2025-11-26. Review status: criteria provided, single submitter. Criteria: Invitae Variant Classification Sherloc (09022015). Collection method: clinical testing. Allele origin: germline.
Comment: This sequence change creates a premature translational stop signal (p.Arg322*) in the GATM gene. It is expected to result in an absent or disrupted protein product. Loss-of-function variants in GATM are known to be pathogenic (PMID: 11555793). This variant is not present in population databases (gnomAD no frequency). This variant has not been reported in the literature in individuals affected with GATM-related conditions. ClinVar contains an entry for this variant (Variation ID: 3638316). For these reasons, this variant has been classified as Pathogenic.

Literature cited by the submitters: PubMed 11555793.

NM_001482.3(GATM):c.964C>T (p.Arg322Ter)

Gene: GATM (glycine amidinotransferase; minus strand). Cytogenetic location: 15q21.1.
Variant type: single nucleotide variant.
Coding change: c.964C>T on transcript NM_001482.3 (MANE Select); coding-DNA position 964, C replaced by T.
Protein change: p.Arg322Ter; replaces arginine 322 with a stop codon.
Molecular consequence: nonsense.
Genome position (GRCh38, 1-based): chr15:45,366,060, G>A on the plus strand (C>T on the coding strand, the complement: GATM is on the minus strand). VCF-style: chr15-45366060-G-A. GRCh37 (hg19) VCF-style: chr15-45658258-G-A.
Other names: c.577C>T, p.Arg193Ter (NM_001321015.2); short protein forms R193*, R322*.
Identifiers: ClinVar variation 3638316 (VCV003638316.2).